The following is an entry in ClinVar:

ClinVar aggregate classification (germline): Pathogenic/Likely pathogenic. Review status: criteria provided, multiple submitters, no conflicts (2 of 4 stars). 3 submissions from 3 submitters: Pathogenic (1); Likely pathogenic (2). Last evaluated 2025-03-13.

Conditions:
Neurodevelopmental disorder. Identifiers: MedGen C1535926, MeSH D065886, MONDO:0700092.
ZMYM2-related disorder. Also called: ZMYM2-related condition.

Allele frequency attached by ClinVar (database versions not stated): gnomAD exomes below 0.00001.
gnomAD v4.1: 3 of 1,608,630 alleles (0.00019%); highest among the groups gnomAD compares: Non-Finnish European, 0.00025%; no homozygotes.

Submissions (3):

PreventionGenetics, part of Exact Sciences
Classification: Likely pathogenic for ZMYM2-related condition. Last evaluated: 2025-03-13. Review status: criteria provided, single submitter. Criteria: ACMG Guidelines, 2015. Collection method: clinical testing. Allele origin: germline.
Comment: The ZMYM2 c.3388C>T variant is predicted to result in premature protein termination (p.Arg1130*). To our knowledge, this variant has not been reported in the literature. This variant is reported in 0.00091% of alleles in individuals of European (Non-Finnish) descent in gnomAD. Nonsense variants in ZMYM2 are expected to be pathogenic. This variant is interpreted as likely pathogenic.

GeneDx
Classification: Pathogenic. Last evaluated: 2025-03-07. Review status: criteria provided, single submitter. Criteria: GeneDx Variant Classification Process June 2021. Collection method: clinical testing. Allele origin: germline.
Comment: Nonsense variant predicted to result in protein truncation or nonsense mediated decay in a gene for which loss of function is a known mechanism of disease; Has not been previously published as pathogenic or benign to our knowledge

Laboratory of Molecular Genetics (Pr. Bezieau's lab), CHU de Nantes
Classification: Likely pathogenic for Neurodevelopmental disorder. Last evaluated: 2022-07-18. Review status: criteria provided, single submitter. Criteria: ACMG Guidelines, 2015. Collection method: clinical testing. Allele origin: germline. Affected: yes.

NM_197968.4(ZMYM2):c.3388C>T (p.Arg1130Ter)

Gene: ZMYM2 (zinc finger MYM-type containing 2; plus strand). Cytogenetic location: 13q12.11.
Variant type: single nucleotide variant.
Coding change: c.3388C>T on transcript NM_197968.4 (MANE Select); coding-DNA position 3388, C replaced by T.
Protein change: p.Arg1130Ter; replaces arginine 1130 with a stop codon.
Molecular consequence: nonsense. On other transcripts: non-coding transcript variant (1).
Genome position (GRCh38, 1-based): chr13:20,067,325, C>T. VCF-style: chr13-20067325-C-T. GRCh37 (hg19) VCF-style: chr13-20641465-C-T.
Other names: c.3388C>T, p.Arg1130Ter (NM_003453.6, NM_001190964.4, NM_001190965.4 and 5 more transcripts); c.3193C>T, p.Arg1065Ter (NM_001353161.3); c.3127C>T, p.Arg1043Ter (NM_001353163.2); c.3388C>T (NM_197968.3, NM_003453.4); short protein forms R1043*, R1065*, R1130*.
Identifiers: ClinVar variation 1701908 (VCV001701908.4), dbSNP rs1299725201, ClinGen allele CA387467511.